The following is an entry in ClinVar:

NM_000088.4(COL1A1):c.3046-2A>T

Gene: COL1A1 (collagen type I alpha 1 chain; minus strand). Cytogenetic location: 17q21.33.
Variant type: single nucleotide variant.
Coding change: c.3046-2A>T on transcript NM_000088.4 (MANE Select); the canonical splice acceptor site of the intron before coding-DNA position 3046, A replaced by T.
Molecular consequence: splice acceptor variant.
Genome position (GRCh38, 1-based): chr17:50,188,797, T>A on the plus strand (A>T on the coding strand, the complement: COL1A1 is on the minus strand). VCF-style: chr17-50188797-T-A. GRCh37 (hg19) VCF-style: chr17-48266158-T-A.
Identifiers: ClinVar variation 640268 (VCV000640268.11), dbSNP rs72653171, ClinGen allele CA400203457.

ClinVar aggregate classification (germline): Pathogenic (1 of 4 stars; one submission).

Conditions:
Osteogenesis imperfecta type I (OI1). Also called: OI, TYPE I; OSTEOGENESIS IMPERFECTA TARDA; OSTEOGENESIS IMPERFECTA WITH BLUE SCLERAE; Classic Non-deforming Osteogenesis Imperfecta with Blue Sclerae; Osteogenesis imperfecta type 1; Lobstein disease. Identifiers: Orphanet 216796, Orphanet 666, MedGen C0023931, MONDO:0008146, OMIM 166200. Disease mechanism: loss of function.

Submission:

Labcorp Genetics (formerly Invitae), Labcorp
Classification: Pathogenic for Osteogenesis imperfecta type I. Last evaluated: 2025-07-09. Review status: criteria provided, single submitter. Criteria: Invitae Variant Classification Sherloc (09022015). Collection method: clinical testing. Allele origin: germline.
Comment: This sequence change affects an acceptor splice site in intron 41 of the COL1A1 gene. It is expected to disrupt RNA splicing. Variants that disrupt the donor or acceptor splice site typically lead to a loss of protein function (PMID: 16199547), and loss-of-function variants in COL1A1 are known to be pathogenic (PMID: 7942841, 9295084, 9443882). This variant is not present in population databases (gnomAD no frequency). Disruption of this splice site has been observed in individuals with osteogenesis imperfecta (PMID: 15241796; internal data). ClinVar contains an entry for this variant (Variation ID: 640268). Algorithms developed to predict the effect of sequence changes on RNA splicing suggest that this variant may disrupt the consensus splice site. For these reasons, this variant has been classified as Pathogenic.

Literature cited by the submitters: PubMed 16199547; PubMed 7942841; PubMed 9295084; PubMed 9443882; PubMed 15241796.